The following is an entry in ClinVar:

NM_004168.4(SDHA):c.2T>A (p.Met1Lys)

Gene: SDHA (succinate dehydrogenase complex flavoprotein subunit A; plus strand). Cytogenetic location: 5p15.33.
Variant type: single nucleotide variant.
Coding change: c.2T>A on transcript NM_004168.4 (MANE Select); coding-DNA position 2, T replaced by A.
Protein change: p.Met1Lys; changes the start codon (methionine 1).
Molecular consequence: missense variant, initiator codon variant.
Genome position (GRCh38, 1-based): chr5:218,357, T>A. VCF-style: chr5-218357-T-A. GRCh37 (hg19) VCF-style: chr5-218472-T-A.
Other names: c.2T>A, p.Met1Lys (NM_001294332.2, NM_001330758.2); short protein forms M1K.
Identifiers: ClinVar variation 582115 (VCV000582115.16), dbSNP rs750380279, ClinGen allele CA3172675.

ClinVar aggregate classification (germline): Pathogenic. Review status: criteria provided, multiple submitters, no conflicts (2 of 4 stars). 3 submissions from 3 submitters: Pathogenic (3). Last evaluated 2025-11-28.

Conditions:
Mitochondrial complex II deficiency, nuclear type 1. Also called: SUCCINATE CoQ REDUCTASE DEFICIENCY. Identifiers: Orphanet 3208, MedGen C5700310, MONDO:0100294, OMIM 252011.
Pheochromocytoma/paraganglioma syndrome 5. Also called: Paragangliomas 5; SDHA-Related Hereditary Paraganglioma-Pheochromocytoma Syndrome. Identifiers: Orphanet 29072, MedGen C3279992, MONDO:0013602, OMIM 614165.
Hereditary cancer-predisposing syndrome. Also called: Neoplastic Syndromes, Hereditary; Tumor predisposition; Hereditary neoplastic syndrome; Hereditary Cancer Syndrome. Identifiers: Orphanet 140162, MedGen C0027672, MeSH D009386, MONDO:0015356.

Allele frequency attached by ClinVar (database versions not stated): ExAC 0.00002.

Submissions (3):

Labcorp Genetics (formerly Invitae), Labcorp
Classification: Pathogenic for Pheochromocytoma/paraganglioma syndrome 5; Mitochondrial complex II deficiency, nuclear type 1. Last evaluated: 2025-11-28. Review status: criteria provided, single submitter. Criteria: Invitae Variant Classification Sherloc (09022015). Collection method: clinical testing. Allele origin: germline.
Comment: This sequence change affects the initiator codon of the SDHA mRNA. This change may impact translation initiation or efficiency. The next in-frame methionine is located at codon 114. This variant is present in population databases (rs750380279, gnomAD 0.006%). Disruption of the initiator codon has been observed in individuals with gastrointestinal stromal tumor, renal cell carcinoma, paraganglioma, pheochromocytoma, and complex II deficiency (PMID: 10746566, 26334176, 26722403, 28384794). ClinVar contains an entry for this variant (Variation ID: 582115). Algorithms developed to predict the effect of variants on gene product structure and function are not available or were not evaluated for this variant. Experimental studies have shown that disruption of the initiator codon affects SDHA function (PMID: 10746566). Rescue of translational initiation by the downstream methionine would be expected to result in the disruption of the N-terminal part of the SDHA protein, which is important for FAD binding (PMID: 25488574, 15989954). This suggests that disruption of this region of the protein is causative of disease. For these reasons, this variant has been classified as Pathogenic.

Ambry Genetics
Classification: Pathogenic for Hereditary cancer-predisposing syndrome. Last evaluated: 2025-10-14. Review status: criteria provided, single submitter. Criteria: Ambry Variant Classification Scheme 2023. Collection method: clinical testing. Allele origin: germline.
Comment: The p.M1? pathogenic mutation (also known as c.2T>A) is located in coding exon 1 of the SDHA gene and results from a T to A substitution at nucleotide position 2. This alters the methionine residue at the initiation codon (ATG). Other alterations impacting the initiation codon (c.2T>C, c.2T>G, c.1A>C, c.1A>G) have been reported in individuals with personal history consistent with hereditary paraganglioma-pheochromocytoma (PGL/PCC) syndromes, including gastrointestinal stromal tumor (GIST), renal cell carcinoma, and carotid paraganglioma (Jiang Q et al. Int J Clin Exp Pathol 2015 Oct;8(10):12188-97; Bausch B et al. JAMA Oncol, 2017 Sep;3:1204-1212; Carrera S et al. Hered. Cancer Clin. Pract. 2019 Aug;17:23). Further, the c.1A>C alteration impacting the SDHA initiation codon has been observed in an individual with autosomal recessive Leigh syndrome who also carried a functionally deleterious SDHA alteration in trans (Parfait B et al. Hum. Genet. 2000 Feb;106:236-43). In addition to the clinical data presented in the literature, sequence variations that modify the initiation codon are expected to result in either loss of translation initiation, N-terminal truncation, or cause a shift in the mRNA reading frame. Based on the supporting evidence, this variant is interpreted as a disease-causing mutation.

Myriad Genetics, Inc.
Classification: Pathogenic for Pheochromocytoma/paraganglioma syndrome 5. Last evaluated: 2023-01-12. Review status: criteria provided, single submitter. Criteria: Myriad Autosomal Dominant, Autosomal Recessive and X-Linked Classification Criteria (2023). Collection method: clinical testing. Allele origin: unknown.
Comment: This variant is considered pathogenic. This variant is located within the gene translation start codon (p.Met1?) and is predicted to result in abnormal protein translation. This variant has been reported in multiple individuals with clinical features of gene-specific disease [PMID: 35014173, 28384794, 10746566, 26722403, 32971818].

Literature cited by the submitters: PubMed 10746566 (cited by Labcorp Genetics (formerly Invitae), Labcorp and Myriad Genetics, Inc.); PubMed 26334176 (cited by Labcorp Genetics (formerly Invitae), Labcorp); PubMed 26722403 (cited by Labcorp Genetics (formerly Invitae), Labcorp and Myriad Genetics, Inc.); PubMed 28384794 (cited by Labcorp Genetics (formerly Invitae), Labcorp and Myriad Genetics, Inc.); PubMed 25488574 (cited by Labcorp Genetics (formerly Invitae), Labcorp); PubMed 15989954 (cited by Labcorp Genetics (formerly Invitae), Labcorp); PubMed 35014173 (cited by Myriad Genetics, Inc.); PubMed 32971818 (cited by Myriad Genetics, Inc.).